The following is an entry in ClinVar:

NM_000062.3(SERPING1):c.816_817del (p.Asn272fs)

Gene: SERPING1 (serpin family G member 1; plus strand). Cytogenetic location: 11q12.1.
Variant type: Deletion.
Coding change: c.816_817del on transcript NM_000062.3 (MANE Select); coding-DNA positions 816 to 817, 2 bases deleted (CA; older notation c.816_817delCA).
Protein change: p.Asn272fs; shifts the reading frame from asparagine 272.
Molecular consequence: frameshift variant.
Genome position (GRCh38, 1-based): chr11:57,606,140-57,606,141, CA deleted; deleting any 2 consecutive bases within chr11:57,606,139-57,606,141 gives the same sequence; the c. name uses the placement nearest the transcript's 3' end. VCF-style (leftmost placement, unchanged base first): chr11-57606138-AAC-A. GRCh37 (hg19) VCF-style: chr11-57373611-AAC-A.
Other names: c.816_817del, p.Asn272fs (NM_001032295.2); short protein forms N272fs.
Identifiers: ClinVar variation 4887048 (VCV004887048.1).
Genomic context (GRCh38, chr11:57,606,138, plus strand): 5'-AGCAACAACAGTGACGCCAACTTGGAGCTCATCAACACCTGGGTGGCCAAGAACACCAAC[AAC>A]AAGATCAGCCGGCTGCTAGACAGTCTGCCCTCCGATACCCGCCTTGTCCTCCTCAATGCT-3'

ClinVar aggregate classification (germline): Pathogenic (1 of 4 stars; one submission).

Conditions:
Hereditary angioedema types I and II.

Submission:

North West Genomic Laboratory Hub, Manchester University NHS Foundation Trust
Classification: Pathogenic for Hereditary angioedema types I and II. Last evaluated: 2026-08-24. Review status: criteria provided, single submitter. Criteria: ACGS Best Practice Guidelines for Variant Classification in Rare Disease 2024. Collection method: clinical testing. Allele origin: germline. Affected: yes.
Comment: PP4_Mod PM2_Mod PVS1_VStr